The following is an entry in ClinVar:

NM_007294.4(BRCA1):c.2330A>T (p.Tyr777Phe)

Gene: BRCA1 (BRCA1 DNA repair associated; minus strand). Cytogenetic location: 17q21.31.
Variant type: single nucleotide variant.
Coding change: c.2330A>T on transcript NM_007294.4 (MANE Select); coding-DNA position 2330, A replaced by T.
Protein change: p.Tyr777Phe; replaces tyrosine 777 with phenylalanine.
Molecular consequence: missense variant. On other transcripts: intron variant (137).
Genome position (GRCh38, 1-based): chr17:43,093,201, T>A on the plus strand (A>T on the coding strand, the complement: BRCA1 is on the minus strand). VCF-style: chr17-43093201-T-A. GRCh37 (hg19) VCF-style: chr17-41245218-T-A.
Other names: c.784+1543A>T (NM_001408473.1, NM_001408399.1, NM_001407984.1 and 13 more transcripts); c.2330A>T, p.Tyr777Phe (NM_001407640.1, NM_001407641.1, NM_001407642.1 and 30 more transcripts); c.664+1543A>T (NM_001408439.1, NM_001408425.1, NM_001408443.1 and 12 more transcripts); c.787+1543A>T (NM_001407983.1, NM_001408403.1, NM_001407980.1 and 17 more transcripts); c.671-2169A>T (NM_001408419.1, NM_001408423.1, NM_001408420.1 and 2 more transcripts); c.2207A>T, p.Tyr736Phe (NM_001407648.1, NM_001407664.1, NM_001407665.1 and 19 more transcripts); c.2327A>T, p.Tyr776Phe (NM_001407644.1, NM_001407645.1, NM_001407587.1 and 22 more transcripts); c.2321A>T, p.Tyr774Phe (NM_001407646.1, NM_001407647.1); and 41 more; short protein forms Y688F, Y707F, Y736F, Y774F, Y776F, Y709F, Y750F, Y609F.
Identifiers: ClinVar variation 1789716 (VCV001789716.6), dbSNP rs587778116, ClinGen allele CA10597342.

ClinVar aggregate classification (germline): Conflicting classifications of pathogenicity. Review status: criteria provided, conflicting classifications (1 of 4 stars). 4 submissions from 4 submitters: Uncertain significance (3); Likely benign (1). Last evaluated 2024-08-06.

Conditions:
BRCA1-related cancer predisposition. Identifiers: MedGen CN377757, MONDO:0700268.
Hereditary cancer-predisposing syndrome. Also called: Hereditary Cancer Syndrome; Hereditary neoplastic syndrome; Tumor predisposition; Neoplastic Syndromes, Hereditary. Identifiers: Orphanet 140162, MedGen C0027672, MeSH D009386, MONDO:0015356.
Familial pancreatic carcinoma. Identifiers: Orphanet 1333, MedGen C2931038, MONDO:0015278, OMIM 260350.

Allele frequency attached by ClinVar (database versions not stated): gnomAD exomes below 0.00001.
gnomAD v4.1: 6 of 1,613,932 alleles (0.00037%); highest among the groups gnomAD compares: Non-Finnish European, 0.00051%; no homozygotes.

Submissions (4):

All of Us Research Program, National Institutes of Health
Classification: Uncertain significance for BRCA1-related cancer predisposition. Last evaluated: 2024-08-06. Review status: criteria provided, single submitter. Criteria: ACMG Guidelines, 2015. Collection method: clinical testing. Allele origin: germline. Inheritance: Autosomal dominant inheritance. Observed: 1 variant allele, 1 heterozygote.
Comment: This study involves interpretation of variants in research participants for the purpose of population health screening. Participant phenotype was not available at the time of variant classification. Additional details can be found in publication PMID: 35346344, PMCID: PMC8962531

University of Washington Department of Laboratory Medicine, University of Washington
Classification: Likely benign for Hereditary cancer-predisposing syndrome. Last evaluated: 2023-03-23. Review status: criteria provided, single submitter. Criteria: Dines et al. (Genet Med. 2020). Collection method: curation. Allele origin: germline.
Comment: Missense variant in a coldspot region where missense variants are very unlikely to be pathogenic (PMID:31911673).

BRCA1 coldspot (exon 11 using historical exon numbering). Reclassification based on statistical prior probability

Department of Pathology and Laboratory Medicine, Sinai Health System
Classification: Uncertain significance for Familial pancreatic carcinoma. Last evaluated: 2021-10-25. Review status: criteria provided, single submitter. Criteria: ACMG Guidelines, 2015. Collection method: clinical testing. Allele origin: germline. Affected: yes.

Ambry Genetics
Classification: Uncertain significance for Hereditary cancer-predisposing syndrome. Last evaluated: 2020-08-13. Review status: criteria provided, single submitter. Criteria: Ambry Variant Classification Scheme 2023. Collection method: clinical testing. Allele origin: germline.
Comment: The p.Y777F variant (also known as c.2330A>T), located in coding exon 9 of the BRCA1 gene, results from an A to T substitution at nucleotide position 2330. The tyrosine at codon 777 is replaced by phenylalanine, an amino acid with highly similar properties. This amino acid position is well conserved in available vertebrate species. In addition, the in silico prediction for this alteration is inconclusive. Since supporting evidence is limited at this time, the clinical significance of this alteration remains unclear.